The following is an entry in ClinVar:

NM_006767.4(LZTR1):c.310T>C (p.Ser104Pro)

Gene: LZTR1 (leucine zipper like post translational regulator 1; plus strand). Cytogenetic location: 22q11.21.
Variant type: single nucleotide variant.
Coding change: c.310T>C on transcript NM_006767.4 (MANE Select); coding-DNA position 310, T replaced by C.
Protein change: p.Ser104Pro; replaces serine 104 with proline.
Molecular consequence: missense variant.
Genome position (GRCh38, 1-based): chr22:20,985,887, T>C. VCF-style: chr22-20985887-T-C. GRCh37 (hg19) VCF-style: chr22-21340176-T-C.
Other names: short protein forms S104P.
Identifiers: ClinVar variation 3989592 (VCV003989592.1).

ClinVar aggregate classification (germline): Uncertain significance (1 of 4 stars; one submission).

Conditions:
Cardiovascular phenotype. Identifiers: MedGen CN230736.
Hereditary cancer-predisposing syndrome. Also called: Tumor predisposition; Hereditary neoplastic syndrome; Neoplastic Syndromes, Hereditary; Hereditary Cancer Syndrome. Identifiers: Orphanet 140162, MedGen C0027672, MeSH D009386, MONDO:0015356.

Submission:

Ambry Genetics
Classification: Uncertain significance for Cardiovascular phenotype; Hereditary cancer-predisposing syndrome. Last evaluated: 2025-04-07. Review status: criteria provided, single submitter. Criteria: Ambry Variant Classification Scheme 2023. Collection method: clinical testing. Allele origin: germline.
Comment: The p.S104P variant (also known as c.310T>C), located in coding exon 3 of the LZTR1 gene, results from a T to C substitution at nucleotide position 310. The serine at codon 104 is replaced by proline, an amino acid with similar properties. This amino acid position is conserved. In addition, the in silico prediction for this alteration is inconclusive. Based on the available evidence, the clinical significance of this variant remains unclear.